The following is an entry in ClinVar:

NM_007294.4(BRCA1):c.3433G>T (p.Val1145Phe)

Genes: BRCA1 (BRCA1 DNA repair associated; minus strand), LOC126862571 (BRD4-independent group 4 enhancer GRCh37_chr17:41243136-41244335; plus strand). Cytogenetic location: 17q21.31.
Variant type: single nucleotide variant.
Coding change: c.3433G>T on transcript NM_007294.4 (MANE Select); coding-DNA position 3433, G replaced by T.
Protein change: p.Val1145Phe; replaces valine 1145 with phenylalanine.
Molecular consequence: missense variant. On other transcripts: intron variant (135).
Genome position (GRCh38, 1-based): chr17:43,092,098, C>A on the plus strand (G>T on the coding strand, the complement: BRCA1 is on the minus strand). VCF-style: chr17-43092098-C-A. GRCh37 (hg19) VCF-style: chr17-41244115-C-A.
Other names: 3552G>T; c.647-1066G>T (NM_001408410.1, NM_001408458.1, NM_001408469.1 and 11 more transcripts); c.710-1066G>T (NM_001408415.1, NM_001408412.1, NM_001408409.1 and 2 more transcripts); c.578-1066G>T (NM_001408483.1, NM_001408481.1, NM_001408480.1 and 9 more transcripts); c.665-1066G>T (NM_001408442.1, NM_001408426.1, NM_001408436.1 and 12 more transcripts); c.788-1066G>T (NM_001407982.1, NM_001407970.1, NM_001407980.1 and 17 more transcripts); c.3220G>T, p.Val1074Phe (NM_001407571.1, NM_001407853.1, NM_001407894.1 and 9 more transcripts); c.3433G>T, p.Val1145Phe (NM_001407581.1, NM_001407582.1, NM_001407583.1 and 30 more transcripts); and 42 more; short protein forms V1145F, V1098F, V1118F, V1119F, V1033F, V1056F, V1057F, V1078F.
Identifiers: ClinVar variation 96912 (VCV000096912.26), dbSNP rs431825396, ClinGen allele CA002222.
Genomic context (GRCh38, chr17:43,092,098, plus strand): 5'-AACTAGTATCTTCCTTTATTTCACCATCATCTAACAGGTCATCAGGTGTCTCAGAACAAA[C>A]CTGAGATGCATGACTACTTCCCATAGGCTGTTCTAAGTTATCTGAAATCAGATATGGAGA-3'
Protein context (NP_009225.1, residues 1135-1155): QPMGSSHASQ[Val1145Phe]CSETPDDLLD

ClinVar aggregate classification (germline): Conflicting classifications of pathogenicity. Review status: criteria provided, conflicting classifications (1 of 4 stars). 9 submissions from 9 submitters: Uncertain significance (6); Likely benign (1). 2 of the submissions do not count toward it. Last evaluated 2025-12-08.

Conditions:
BRCA1-related cancer predisposition. Identifiers: MedGen CN377757, MONDO:0700268.
Hereditary cancer-predisposing syndrome. Also called: Hereditary Cancer Syndrome; Neoplastic Syndromes, Hereditary; Hereditary neoplastic syndrome; Tumor predisposition. Identifiers: Orphanet 140162, MedGen C0027672, MeSH D009386, MONDO:0015356.
Breast-ovarian cancer, familial, susceptibility to, 1 (BROVCA1). Also called: BRCA1 Hereditary Breast and Ovarian Cancer; OVARIAN CANCER, SUSCEPTIBILITY TO. Identifiers: Orphanet 145, MedGen C2676676, MONDO:0011450, OMIM 604370. Disease mechanism: loss of function.
Hereditary breast ovarian cancer syndrome. Also called: Hereditary breast and/or ovarian cancer syndrome; Hereditary breast and ovarian cancer syndrome; Hereditary breast and ovarian cancer; Hereditary breast and ovarian cancer syndrome (HBOC); Breast and ovarian cancer; BRCA1- and BRCA2-Associated Hereditary Breast and Ovarian Cancer. Identifiers: Orphanet 145, MedGen C0677776, MeSH D061325, MONDO:0003582. Disease mechanism: loss of function.

Allele frequency attached by ClinVar (database versions not stated): TOPMed 0.00001.
gnomAD v4.1: 2 of 1,614,024 alleles (0.00012%); highest among the groups gnomAD compares: Admixed American, 0.0017%; no homozygotes.

Submissions (9):

Ambry Genetics
Classification: Uncertain significance for Hereditary cancer-predisposing syndrome. Last evaluated: 2025-12-08. Review status: criteria provided, single submitter. Criteria: Ambry Variant Classification Scheme 2023. Collection method: clinical testing. Allele origin: germline.
Comment: The p.V1145F variant (also known as c.3433G>T), located in coding exon 9 of the BRCA1 gene, results from a G to T substitution at nucleotide position 3433. The valine at codon 1145 is replaced by phenylalanine, an amino acid with highly similar properties. This alteration was identified in an individual diagnosed with breast cancer (Brice&ntilde;o-Balc&aacute;zar I et al. Colomb Med (Cali), 2017 Jun;48:58-63). This alteration was also identified in a cohort of Spanish hereditary breast and ovarian cancer families (Gabald&oacute; Barrios X et al. Fam Cancer, 2017 Oct;16:477-489). This amino acid position is not well conserved in available vertebrate species. In addition, the in silico prediction for this alteration is inconclusive. Since supporting evidence is limited at this time, the clinical significance of this alteration remains unclear.

Labcorp Genetics (formerly Invitae), Labcorp
Classification: Uncertain significance for Hereditary breast ovarian cancer syndrome. Last evaluated: 2025-01-11. Review status: criteria provided, single submitter. Criteria: Invitae Variant Classification Sherloc (09022015). Collection method: clinical testing. Allele origin: germline.
Comment: This sequence change replaces valine, which is neutral and non-polar, with phenylalanine, which is neutral and non-polar, at codon 1145 of the BRCA1 protein (p.Val1145Phe). This variant is not present in population databases (gnomAD no frequency). This missense change has been observed in individual(s) with a personal or family history of breast cancer and/or ovarian cancer (PMID: 28477318, 29021639). ClinVar contains an entry for this variant (Variation ID: 96912). Invitae Evidence Modeling of protein sequence and biophysical properties (such as structural, functional, and spatial information, amino acid conservation, physicochemical variation, residue mobility, and thermodynamic stability) indicates that this missense variant is expected to disrupt BRCA1 protein function with a positive predictive value of 80%. In summary, the available evidence is currently insufficient to determine the role of this variant in disease. Therefore, it has been classified as a Variant of Uncertain Significance.

GeneDx
Classification: Uncertain significance. Last evaluated: 2024-11-17. Review status: criteria provided, single submitter. Criteria: GeneDx Variant Classification Process June 2021. Collection method: clinical testing. Allele origin: germline. Affected: yes.
Comment: Observed in individuals with breast and/or ovarian cancer, but also seen in unaffected controls (PMID: 29021639, 28477318, 33471991); Not observed at significant frequency in large population cohorts (gnomAD); In silico analysis supports that this missense variant has a deleterious effect on protein structure/function; Also known as 3552G>T; This variant is associated with the following publications: (PMID: 28477318, 29021639, 33471991, 35451682)

All of Us Research Program, National Institutes of Health
Classification: Uncertain significance for BRCA1-related cancer predisposition. Last evaluated: 2024-06-17. Review status: criteria provided, single submitter. Criteria: ACMG Guidelines, 2015. Collection method: clinical testing. Allele origin: germline. Inheritance: Autosomal dominant inheritance. Observed: 1 variant allele, 1 heterozygote.
Comment: This missense variant replaces valine with phenylalanine at codon 1145 of the BRCA1 protein. Computational prediction is inconclusive regarding the impact of this variant on protein structure and function (internally defined REVEL score threshold 0.5 < inconclusive < 0.7, PMID: 27666373). To our knowledge, functional studies have not been reported for this variant. This variant has been reported in a few individuals affected with breast and/or ovarian cancer (PMID: 28477318, 29021639). In a large breast cancer case-control study, this variant has been observed in 1/60466 cases and 1/53461 unaffected controls (OR=0.884; 95%CI 0.055 to 14.136; p-value=1; Leiden Open Variation Database DB-ID BRCA1_004649) (PMID 33471991). This variant has not been identified in the general population by the Genome Aggregation Database (gnomAD). The available evidence is insufficient to determine the role of this variant in disease conclusively. Therefore, this variant is classified as a Variant of Uncertain Significance.

This study involves interpretation of variants in research participants for the purpose of population health screening. Participant phenotype was not available at the time of variant classification. Additional details can be found in publication PMID: 35346344, PMCID: PMC8962531

Color Diagnostics, LLC DBA Color Health
Classification: Uncertain significance for Hereditary cancer-predisposing syndrome. Last evaluated: 2024-06-05. Review status: criteria provided, single submitter. Criteria: ACMG Guidelines, 2015. Collection method: clinical testing. Allele origin: germline.
Comment: This missense variant replaces valine with phenylalanine at codon 1145 of the BRCA1 protein. Computational prediction is inconclusive regarding the impact of this variant on protein structure and function. To our knowledge, functional studies have not been reported for this variant. This variant has been reported in two individuals affected with breast cancer and in a suspected hereditary breast and ovarian cancer family (PMID: 28477318, 29021639) and in a breast cancer case-control meta-analysis in 1/60466 cases and 1/53461 unaffected individuals (PMID: 33471991; Leiden Open Variation Database DB-ID BRCA1_004649). This variant has not been identified in the general population by the Genome Aggregation Database (gnomAD). The available evidence is insufficient to determine the role of this variant in disease conclusively. Therefore, this variant is classified as a Variant of Uncertain Significance.

University of Washington Department of Laboratory Medicine, University of Washington
Classification: Likely benign for Hereditary cancer-predisposing syndrome. Last evaluated: 2023-03-23. Review status: criteria provided, single submitter. Criteria: Dines et al. (Genet Med. 2020). Collection method: curation. Allele origin: germline.
Comment: Missense variant in a coldspot region where missense variants are very unlikely to be pathogenic (PMID:31911673).

BRCA1 coldspot (exon 11 using historical exon numbering). Reclassification based on statistical prior probability

Women's Health and Genetics/Laboratory Corporation of America, LabCorp
Classification: Uncertain significance. Last evaluated: 2021-01-15. Review status: criteria provided, single submitter. Criteria: LabCorp Variant Classification Summary - May 2015. Collection method: clinical testing. Allele origin: germline.
Comment: Variant summary: BRCA1 c.3433G>T (p.Val1145Phe) results in a non-conservative amino acid change in the encoded protein sequence. Four of five in-silico tools predict a damaging effect of the variant on protein function. The variant was absent in 251182 control chromosomes (gnomAD). The available data on variant occurrences in the general population are insufficient to allow any conclusion about variant significance. c.3433G>T has been reported in the literature in individuals affected with breast cancer and/or ovarian cancer (Briceno-Balcazar_2017, Gabaldo_2017). These reports do not provide unequivocal conclusions about association of the variant with Hereditary Breast And Ovarian Cancer Syndrome. To our knowledge, no experimental evidence demonstrating an impact on protein function has been reported. Two ClinVar submitters (evaluation after 2014) cite the variant as uncertain significance. Based on the evidence outlined above, the variant was classified as uncertain significance.

Sharing Clinical Reports Project (SCRP)
Classification: Uncertain significance for Breast-ovarian cancer, familial 1. Last evaluated: 2012-05-01. Review status: no assertion criteria provided. Collection method: clinical testing. Allele origin: germline. Not counted in ClinVar's aggregate classification.

Department of Pathology and Laboratory Medicine, Sinai Health System
Classification: Uncertain significance. Review status: no assertion criteria provided. Collection method: clinical testing. Allele origin: unknown. Affected: yes. Observed: 1 variant allele. Study: The Canadian Open Genetics Repository (COGR). Not counted in ClinVar's aggregate classification.

Literature cited by the submitters: PubMed 28477318 (cited by 5 submitters); PubMed 29021639 (cited by 5 submitters); PubMed 33471991 (cited by Color Diagnostics, LLC DBA Color Health).